The following is an entry in ClinVar:

ClinVar aggregate classification (germline): Uncertain significance (1 of 4 stars; one submission).

gnomAD v4.1: 11 of 1,611,002 alleles (0.00068%); highest among the groups gnomAD compares: East Asian, 0.0022%; no homozygotes.

Submission:

Labcorp Genetics (formerly Invitae), Labcorp
Classification: Uncertain significance. Last evaluated: 2025-03-30. Review status: criteria provided, single submitter. Criteria: Invitae Variant Classification Sherloc (09022015). Collection method: clinical testing. Allele origin: germline.
Comment: This sequence change replaces tyrosine, which is neutral and polar, with histidine, which is basic and polar, at codon 184 of the MS4A1 protein (p.Tyr184His). This variant is present in population databases (rs199935456, gnomAD 0.004%). This variant has not been reported in the literature in individuals affected with MS4A1-related conditions. An algorithm developed to predict the effect of missense changes on protein structure and function outputs the following: PolyPhen-2: "Benign". The histidine amino acid residue is found in multiple mammalian species, which suggests that this missense change does not adversely affect protein function. In summary, the available evidence is currently insufficient to determine the role of this variant in disease. Therefore, it has been classified as a Variant of Uncertain Significance.

NM_152866.3(MS4A1):c.550T>C (p.Tyr184His)

Gene: MS4A1 (membrane spanning 4-domains A1; plus strand). Cytogenetic location: 11q12.2.
Variant type: single nucleotide variant.
Coding change: c.550T>C on transcript NM_152866.3 (MANE Select); coding-DNA position 550, T replaced by C.
Protein change: p.Tyr184His; replaces tyrosine 184 with histidine.
Molecular consequence: missense variant.
Genome position (GRCh38, 1-based): chr11:60,466,134, T>C. VCF-style: chr11-60466134-T-C. GRCh37 (hg19) VCF-style: chr11-60233607-T-C.
Other names: c.550T>C, p.Tyr184His (NM_021950.4, NM_152867.2); short protein forms Y184H.
Identifiers: ClinVar variation 4697027 (VCV004697027.1).
Genomic context (GRCh38, chr11:60,466,134, plus strand): 5'-ATATACAACTGTGAACCAGCTAATCCCTCTGAGAAAAACTCCCCATCTACCCAATACTGT[T>C]ACAGCATACAATCTCTGTTCTTGGTAAGTGTTCTTGGTAAGTGTGAGATTGGATTTCTCT-3'
Protein context (NP_690605.1, residues 174-194): EKNSPSTQYC[Tyr184His]SIQSLFLGIL